The following is an entry in ClinVar:

ClinVar aggregate classification (germline): Conflicting classifications of pathogenicity. Review status: criteria provided, conflicting classifications (1 of 4 stars). 5 submissions from 5 submitters: Likely pathogenic (1); Uncertain significance (4). Last evaluated 2025-08-11.

Conditions:
Tip-toe gait. Also called: Toe walking. Identifiers: MedGen C0427144, HP:0030051.
Inborn genetic diseases. Identifiers: MedGen C0950123, MeSH D030342.
Charcot-Marie-Tooth disease axonal type 2Z. Also called: CHARCOT-MARIE-TOOTH DISEASE, AXONAL, AUTOSOMAL DOMINANT, TYPE 2Z; CHARCOT-MARIE-TOOTH NEUROPATHY, TYPE 2Z. Identifiers: Orphanet 466768, MedGen C5569025, MONDO:0014736, OMIM 616688.

Allele frequency attached by ClinVar (database versions not stated): gnomAD exomes 0.00001 and 0.00002; ExAC 0.00002; gnomAD 0.00002 and 0.00001; TOPMed 0.00005.
gnomAD v4.1: 34 of 1,613,952 alleles (0.0021%); highest among the groups gnomAD compares: Middle Eastern, 0.016%; no homozygotes.

Submissions (5):

Labcorp Genetics (formerly Invitae), Labcorp
Classification: Uncertain significance for Charcot-Marie-Tooth disease axonal type 2Z. Last evaluated: 2025-08-11. Review status: criteria provided, single submitter. Criteria: Invitae Variant Classification Sherloc (09022015). Collection method: clinical testing. Allele origin: germline.
Comment: This sequence change replaces asparagine, which is neutral and polar, with serine, which is neutral and polar, at codon 963 of the MORC2 protein (p.Asn963Ser). This variant is present in population databases (rs781162787, gnomAD 0.01%). This variant has not been reported in the literature in individuals affected with MORC2-related conditions. ClinVar contains an entry for this variant (Variation ID: 546914). Invitae Evidence Modeling of protein sequence and biophysical properties (such as structural, functional, and spatial information, amino acid conservation, physicochemical variation, residue mobility, and thermodynamic stability) indicates that this missense variant is not expected to disrupt MORC2 protein function with a negative predictive value of 95%. In summary, the available evidence is currently insufficient to determine the role of this variant in disease. Therefore, it has been classified as a Variant of Uncertain Significance.

GeneDx
Classification: Uncertain significance. Last evaluated: 2021-02-24. Review status: criteria provided, single submitter. Criteria: GeneDx Variant Classification Process June 2021. Collection method: clinical testing. Allele origin: germline. Affected: yes.
Comment: In silico analysis supports that this missense variant has a deleterious effect on protein structure/function; Has not been previously published as pathogenic or benign to our knowledge

Ambry Genetics
Classification: Uncertain significance for Inborn genetic diseases. Last evaluated: 2019-09-26. Review status: criteria provided, single submitter. Criteria: Ambry Variant Classification Scheme 2023. Collection method: clinical testing. Allele origin: germline.
Comment: The p.N963S variant (also known as c.2888A>G), located in coding exon 25 of the MORC2 gene, results from an A to G substitution at nucleotide position 2888. The asparagine at codon 963 is replaced by serine, an amino acid with highly similar properties. This amino acid position is poorly conserved in available vertebrate species. In addition, this alteration is predicted to be tolerated by in silico analysis. Since supporting evidence is limited at this time, the clinical significance of this alteration remains unclear.

Practice for Gait Abnormalities, David Pomarino, Competency Network Toe Walking C/o Practice Pomarino
Classification: Likely pathogenic for Tip-toe gait. Last evaluated: 2017-11-30. Review status: criteria provided, single submitter. Criteria: ACMG Guidelines, 2015. Collection method: clinical testing. Allele origin: germline. Inheritance: Autosomal dominant inheritance. Affected: yes. Observed: 4 variant alleles, 4 heterozygotes. Clinical features observed: Pes cavus (HP:0001761).
Comment: The Asn963Ser variant in MORC2 was found in the family (grandfather, father and two children). They all have toe walking. Hereditary motor sensory neuropathy (HMSN), also known as Charcot-Marie-Tooth Disease (CMT), is the most commonly inherited peripheral polyneuropathy. It constitutes a group of inherited, progressive, motor and sensory peripheral nerve disorders with properties of demyelination, axonal degeneration, or both. It is classified by clinical characteristics, modes of inheritance, electrophysiologic features, metabolic defects, and specific gene markers. Our patients all walk on tiptoe, so they show similar symptoms. When we genetically test them with our toe walking panel, we find that around 90 per cent of them have a genetic variant that explains their toe walking. These can be assigned, for example, to the area of myopathies (such as variants of the COL6A3 gene), the area of hereditary neuropathies (such as variants of the KMT2C gene) or the area of metabolic diseases (such as variants of the PYGM gene). In a smaller group of patients with almost identical symptoms, no abnormality is found in the genes of our panel, but spastic paraplegia can be detected. In another small group of our toe walkers, no abnormalities can be detected in the genes analysed in our toe walking panel, nor do they suffer from spastic paraplegia, as is also the case with healthy children. In contrast to these, however, they show a tiptoe gait. These patients suffer from infantile cerebral palsy, in which toe walking can also be observed.

CeGaT Center for Human Genetics Tuebingen
Classification: Uncertain significance. Last evaluated: 2017-11-01. Review status: criteria provided, single submitter. Criteria: CeGaT Center For Human Genetics Tuebingen Variant Classification Criteria Version 2. Collection method: clinical testing. Allele origin: germline. Affected: yes. Observed: 1 variant allele.

Literature cited by the submitters: PubMed 37091313 (cited by Practice for Gait Abnormalities, David Pomarino, Competency Network Toe Walking C/o Practice Pomarino).

NM_001303256.3(MORC2):c.2888A>G (p.Asn963Ser)

Gene: MORC2 (MORC family CW-type zinc finger 2; minus strand). Cytogenetic location: 22q12.2.
Variant type: single nucleotide variant.
Coding change: c.2888A>G on transcript NM_001303256.3 (MANE Select); coding-DNA position 2888, A replaced by G.
Protein change: p.Asn963Ser; replaces asparagine 963 with serine.
Molecular consequence: missense variant.
Genome position (GRCh38, 1-based): chr22:30,928,161, T>C on the plus strand (A>G on the coding strand, the complement: MORC2 is on the minus strand). VCF-style: chr22-30928161-T-C. GRCh37 (hg19) VCF-style: chr22-31324148-T-C.
Other names: c.2888A>G, p.Asn963Ser (NM_001303257.2); c.2702A>G, p.Asn901Ser (NM_014941.3); short protein forms N963S, N901S.
Identifiers: ClinVar variation 546914 (VCV000546914.57), dbSNP rs781162787, ClinGen allele CA10186519.